The following is an entry in ClinVar:

ClinVar aggregate classification (germline): Uncertain significance (1 of 4 stars; one submission).

Submission:

GeneDx
Classification: Uncertain significance. Last evaluated: 2021-07-02. Review status: criteria provided, single submitter. Criteria: GeneDx Variant Classification Process June 2021. Collection method: clinical testing. Allele origin: germline. Affected: yes.
Comment: Not observed at significant frequency in large population cohorts (Lek et al., 2016); In silico analysis supports that this variant does not alter splicing; Has not been previously published as pathogenic or benign to our knowledge; This variant is associated with the following publications: (PMID: 27535533)

NM_030632.3(ASXL3):c.879G>A (p.Gln293=)

Gene: ASXL3 (ASXL transcriptional regulator 3; plus strand). Cytogenetic location: 18q12.1.
Variant type: single nucleotide variant.
Coding change: c.879G>A on transcript NM_030632.3 (MANE Select); coding-DNA position 879, G replaced by A.
Protein change: p.Gln293=; no amino-acid change (glutamine 293 retained).
Molecular consequence: synonymous variant.
Genome position (GRCh38, 1-based): chr18:33,683,568, G>A. VCF-style: chr18-33683568-G-A. GRCh37 (hg19) VCF-style: chr18-31263532-G-A.
Identifiers: ClinVar variation 1331185 (VCV001331185.2), dbSNP rs2145285867, ClinGen allele CA503618453.